The following is an entry in ClinVar:

ClinVar aggregate classification (germline): Uncertain significance (1 of 4 stars; one submission).

Submission:

GeneDx
Classification: Uncertain significance. Last evaluated: 2021-01-15. Review status: criteria provided, single submitter. Criteria: GeneDx Variant Classification Process June 2021. Collection method: clinical testing. Allele origin: germline. Affected: yes.
Comment: Not observed at a significant frequency in large population cohorts (Lek et al., 2016); In silico analysis supports that this missense variant has a deleterious effect on protein structure/function; Has not been previously published as pathogenic or benign to our knowledge

NM_003172.4(SURF1):c.590T>C (p.Ile197Thr)

Gene: SURF1 (SURF1 cytochrome c oxidase assembly factor; minus strand). Cytogenetic location: 9q34.2.
Variant type: single nucleotide variant.
Coding change: c.590T>C on transcript NM_003172.4 (MANE Select); coding-DNA position 590, T replaced by C.
Protein change: p.Ile197Thr; replaces isoleucine 197 with threonine.
Molecular consequence: missense variant.
Genome position (GRCh38, 1-based): chr9:133,352,607, A>G on the plus strand (T>C on the coding strand, the complement: SURF1 is on the minus strand). VCF-style: chr9-133352607-A-G. GRCh37 (hg19) VCF-style: chr9-136219462-A-G.
Other names: c.263T>C, p.Ile88Thr (NM_001280787.1); short protein forms I197T, I88T.
Identifiers: ClinVar variation 1317414 (VCV001317414.2), dbSNP rs782169439, ClinGen allele CA200832421.